The following is an entry in ClinVar:

NM_015137.6(EFR3A):c.305A>G (p.His102Arg)

Gene: EFR3A (EFR3 homolog A; plus strand). Cytogenetic location: 8q24.22.
Variant type: single nucleotide variant.
Coding change: c.305A>G on transcript NM_015137.6 (MANE Select); coding-DNA position 305, A replaced by G.
Protein change: p.His102Arg; replaces histidine 102 with arginine.
Molecular consequence: missense variant. On other transcripts: non-coding transcript variant (2).
Genome position (GRCh38, 1-based): chr8:131,946,572, A>G. VCF-style: chr8-131946572-A-G. GRCh37 (hg19) VCF-style: chr8-132958819-A-G.
Other names: c.197A>G, p.His66Arg (NM_001323553.2, NM_001323554.2, NM_001323555.2 and 2 more transcripts); c.305A>G, p.His102Arg (NM_001323558.2); short protein forms H102R, H66R.
Identifiers: ClinVar variation 3046203 (VCV003046203.2), dbSNP rs369963354, ClinGen allele CA4878721.

ClinVar aggregate classification (germline): Benign (0 of 4 stars; one submission).

Conditions:
EFR3A-related disorder. Also called: EFR3A-related condition.

Allele frequency attached by ClinVar (database versions not stated): ESP Exome Variant Server 0.00008; TOPMed 0.00030; gnomAD 0.00174; gnomAD exomes 0.00289; ExAC 0.00836; 1000 Genomes Project 30x 0.01249; 1000 Genomes Project 0.01378.

Submission:

PreventionGenetics, part of Exact Sciences
Classification: Benign for EFR3A-related condition. Last evaluated: 2019-03-19. Review status: no assertion criteria provided. Collection method: clinical testing. Allele origin: germline.
Comment: This variant is classified as benign based on ACMG/AMP sequence variant interpretation guidelines (Richards et al. 2015 PMID: 25741868, with internal and published modifications).